The following is an entry in ClinVar:

NM_015338.6(ASXL1):c.2550A>T (p.Glu850Asp)

Gene: ASXL1 (ASXL transcriptional regulator 1; plus strand). Cytogenetic location: 20q11.21.
Variant type: single nucleotide variant.
Coding change: c.2550A>T on transcript NM_015338.6 (MANE Select); coding-DNA position 2550, A replaced by T.
Protein change: p.Glu850Asp; replaces glutamic acid 850 with aspartic acid.
Molecular consequence: missense variant.
Genome position (GRCh38, 1-based): chr20:32,435,262, A>T. VCF-style: chr20-32435262-A-T. GRCh37 (hg19) VCF-style: chr20-31023065-A-T.
Other names: c.2367A>T, p.Glu789Asp (NM_001363734.1); short protein forms E789D, E850D.
Identifiers: ClinVar variation 3440108 (VCV003440108.2).

ClinVar aggregate classification (germline): Uncertain significance. Review status: criteria provided, multiple submitters, no conflicts (2 of 4 stars). 2 submissions from 2 submitters: Uncertain significance (2). Last evaluated 2024-12-10.

Conditions:
Inborn genetic diseases. Identifiers: MedGen C0950123, MeSH D030342.

Submissions (2):

Women's Health and Genetics/Laboratory Corporation of America, LabCorp
Classification: Uncertain significance. Last evaluated: 2024-12-10. Review status: criteria provided, single submitter. Criteria: LabCorp Variant Classification Summary - May 2015. Collection method: clinical testing. Allele origin: germline.
Comment: Variant summary: ASXL1 c.2550A>T (p.Glu850Asp) results in a conservative amino acid change in the encoded protein sequence. Five of five in-silico tools predict a benign effect of the variant on protein function. The variant was absent in 251256 control chromosomes. The available data on variant occurrences in the general population are insufficient to allow any conclusion about variant significance. To our knowledge, no occurrence of c.2550A>T in individuals affected with Bohring-Opitz Syndrome and no experimental evidence demonstrating its impact on protein function have been reported. No submitters have cited clinical-significance assessments for this variant to ClinVar. Based on the evidence outlined above, the variant was classified as uncertain significance.

Ambry Genetics
Classification: Uncertain significance for Inborn genetic diseases. Last evaluated: 2024-11-08. Review status: criteria provided, single submitter. Criteria: Ambry Variant Classification Scheme 2023. Collection method: clinical testing. Allele origin: germline.